The following is an entry in ClinVar:

NM_001846.4(COL4A2):c.3124C>T (p.Pro1042Ser)

Gene: COL4A2 (collagen type IV alpha 2 chain; plus strand). Cytogenetic location: 13q34.
Variant type: single nucleotide variant.
Coding change: c.3124C>T on transcript NM_001846.4 (MANE Select); coding-DNA position 3124, C replaced by T.
Protein change: p.Pro1042Ser; replaces proline 1042 with serine.
Molecular consequence: missense variant.
Genome position (GRCh38, 1-based): chr13:110,485,753, C>T. VCF-style: chr13-110485753-C-T. GRCh37 (hg19) VCF-style: chr13-111138100-C-T.
Other names: c.3124C>T (NM_001846.2); short protein forms P1042S.
Identifiers: ClinVar variation 3003623 (VCV003003623.5), dbSNP rs1343473958, ClinGen allele CA388729356.

ClinVar aggregate classification (germline): Uncertain significance. Review status: criteria provided, multiple submitters, no conflicts (2 of 4 stars). 3 submissions from 3 submitters: Uncertain significance (3). Last evaluated 2026-03-18.

Conditions:
Inborn genetic diseases. Identifiers: MedGen C0950123, MeSH D030342.

Allele frequency attached by ClinVar (database versions not stated): gnomAD 0.00001; gnomAD exomes 0.00001.
gnomAD v4.1: 6 of 1,613,754 alleles (0.00037%); highest among the groups gnomAD compares: East Asian, 0.0045%; no homozygotes.

Submissions (3):

GeneDx
Classification: Uncertain significance. Last evaluated: 2026-03-18. Review status: criteria provided, single submitter. Criteria: GeneDx Variant Classification Process June 2021. Collection method: clinical testing. Allele origin: germline.
Comment: In silico analysis supports that this missense variant has a deleterious effect on protein structure/function; Occurs in the triple helical domain at the Y position in the canonical Gly-X-Y repeat; although this variant may have an effect on normal protein folding and function, missense substitution at the Y position is not a common mechanism of disease; Has not been previously published as pathogenic or benign to our knowledge

Ambry Genetics
Classification: Uncertain significance for Inborn genetic diseases. Last evaluated: 2025-04-11. Review status: criteria provided, single submitter. Criteria: Ambry Variant Classification Scheme 2023. Collection method: clinical testing. Allele origin: germline.

Labcorp Genetics (formerly Invitae), Labcorp
Classification: Uncertain significance. Last evaluated: 2023-09-19. Review status: criteria provided, single submitter. Criteria: Invitae Variant Classification Sherloc (09022015). Collection method: clinical testing. Allele origin: germline.
Comment: This sequence change replaces proline, which is neutral and non-polar, with serine, which is neutral and polar, at codon 1042 of the COL4A2 protein (p.Pro1042Ser). This variant is present in population databases (no rsID available, gnomAD 0.01%). This variant has not been reported in the literature in individuals affected with COL4A2-related conditions. Advanced modeling of protein sequence and biophysical properties (such as structural, functional, and spatial information, amino acid conservation, physicochemical variation, residue mobility, and thermodynamic stability) performed at Invitae indicates that this missense variant is not expected to disrupt COL4A2 protein function. In summary, the available evidence is currently insufficient to determine the role of this variant in disease. Therefore, it has been classified as a Variant of Uncertain Significance.